The following is an entry in ClinVar:

ClinVar aggregate classification (germline): Likely benign. Review status: criteria provided, single submitter (1 of 4 stars). 2 submissions from 2 submitters: Likely benign (1). 1 of the submissions does not count toward it. Last evaluated 2022-06-07.

Conditions:
MTFMT-related disorder. Also called: MTFMT-related condition.

Allele frequency attached by ClinVar (database versions not stated): ExAC 0.00001; TOPMed 0.00002; gnomAD 0.00001; gnomAD exomes 0.00001; ESP Exome Variant Server 0.00008.
gnomAD v4.1: 16 of 1,610,044 alleles (0.00099%); highest among the groups gnomAD compares: Admixed American, 0.005%; no homozygotes.

Submissions (2):

Labcorp Genetics (formerly Invitae), Labcorp
Classification: Likely benign. Last evaluated: 2022-06-07. Review status: criteria provided, single submitter. Criteria: Invitae Variant Classification Sherloc (09022015). Collection method: clinical testing. Allele origin: germline.

PreventionGenetics, part of Exact Sciences
Classification: Likely benign for MTFMT-related condition. Last evaluated: 2019-06-24. Review status: no assertion criteria provided. Collection method: clinical testing. Allele origin: germline. Not counted in ClinVar's aggregate classification.
Comment: This variant is classified as likely benign based on ACMG/AMP sequence variant interpretation guidelines (Richards et al. 2015 PMID: 25741868, with internal and published modifications).

NM_139242.4(MTFMT):c.610T>C (p.Leu204=)

Gene: MTFMT (mitochondrial methionyl-tRNA formyltransferase; minus strand). Cytogenetic location: 15q22.31.
Variant type: single nucleotide variant.
Coding change: c.610T>C on transcript NM_139242.4 (MANE Select); coding-DNA position 610, T replaced by C.
Protein change: p.Leu204=; no amino-acid change (leucine 204 retained).
Molecular consequence: synonymous variant.
Genome position (GRCh38, 1-based): chr15:65,021,549, A>G on the plus strand (T>C on the coding strand, the complement: MTFMT is on the minus strand). VCF-style: chr15-65021549-A-G. GRCh37 (hg19) VCF-style: chr15-65313887-A-G.
Other names: c.610T>C (NM_139242.3).
Identifiers: ClinVar variation 2068794 (VCV002068794.6), dbSNP rs370420619, ClinGen allele CA7613311.